The following is an entry in ClinVar:

NM_002528.7(NTHL1):c.460G>C (p.Asp154His)

Gene: NTHL1 (nth like DNA glycosylase 1; minus strand). Cytogenetic location: 16p13.3.
Variant type: single nucleotide variant.
Coding change: c.460G>C on transcript NM_002528.7 (MANE Select); coding-DNA position 460, G replaced by C.
Protein change: p.Asp154His; replaces aspartic acid 154 with histidine.
Molecular consequence: missense variant. On other transcripts: intron variant (1).
Genome position (GRCh38, 1-based): chr16:2,044,695, C>G on the plus strand (G>C on the coding strand, the complement: NTHL1 is on the minus strand). VCF-style: chr16-2044695-C-G. GRCh37 (hg19) VCF-style: chr16-2094696-C-G.
Other names: c.130G>C, p.Asp44His (NM_001318194.2); c.355-969G>C (NM_001318193.2); c.484G>C (NM_002528.5); short protein forms D154H, D44H.
Identifiers: ClinVar variation 2024651 (VCV002024651.5), dbSNP rs757736619, ClinGen allele CA7828248.
Genomic context (GRCh38, chr16:2,044,695, plus strand): 5'-AGAAACCGACGGGGTAGATGAGCTTGCCCAGCGTGGCATCATCTGTCTGCAGGATGCTGT[C>G]CACCGTCAGGCCCCGCGCCCGCAGTCGCTGCATGGCGCCCGCCGTCACCTGGTCTTTGGT-3'
Protein context (NP_002519.2, residues 144-164): QRLRARGLTV[Asp154His]SILQTDDATL

ClinVar aggregate classification (germline): Uncertain significance. Review status: criteria provided, multiple submitters, no conflicts (2 of 4 stars). 2 submissions from 2 submitters: Uncertain significance (2). Last evaluated 2024-12-29.

Conditions:
Hereditary cancer-predisposing syndrome. Also called: Neoplastic Syndromes, Hereditary; Tumor predisposition; Hereditary Cancer Syndrome; Hereditary neoplastic syndrome. Identifiers: Orphanet 140162, MedGen C0027672, MeSH D009386, MONDO:0015356.

Allele frequency attached by ClinVar (database versions not stated): TOPMed below 0.00001; gnomAD 0.00001; gnomAD exomes 0.00001; ExAC 0.00003.
gnomAD v4.1: 6 of 1,612,198 alleles (0.00037%); highest among the groups gnomAD compares: Non-Finnish European, 0.00051%; no homozygotes.

Submissions (2):

Ambry Genetics
Classification: Uncertain significance for Hereditary cancer-predisposing syndrome. Last evaluated: 2024-12-29. Review status: criteria provided, single submitter. Criteria: Ambry Variant Classification Scheme 2023. Collection method: clinical testing. Allele origin: germline.
Comment: The p.D162H variant (also known as c.484G>C), located in coding exon 3 of the NTHL1 gene, results from a G to C substitution at nucleotide position 484. The aspartic acid at codon 162 is replaced by histidine, an amino acid with similar properties. This amino acid position is conserved. In addition, this alteration is predicted to be tolerated by in silico analysis. Based on the available evidence, the clinical significance of this variant remains unclear.

Labcorp Genetics (formerly Invitae), Labcorp
Classification: Uncertain significance. Last evaluated: 2021-12-02. Review status: criteria provided, single submitter. Criteria: Invitae Variant Classification Sherloc (09022015). Collection method: clinical testing. Allele origin: germline.
Comment: This sequence change replaces aspartic acid, which is acidic and polar, with histidine, which is basic and polar, at codon 162 of the NTHL1 protein (p.Asp162His). This variant is present in population databases (rs757736619, gnomAD 0.003%). This variant has not been reported in the literature in individuals affected with NTHL1-related conditions. Algorithms developed to predict the effect of missense changes on protein structure and function are either unavailable or do not agree on the potential impact of this missense change (SIFT: "Not Available"; PolyPhen-2: "Benign"; Align-GVGD: "Not Available"). In summary, the available evidence is currently insufficient to determine the role of this variant in disease. Therefore, it has been classified as a Variant of Uncertain Significance.